The following is an entry in ClinVar:

NM_006939.4(SOS2):c.3455G>A (p.Arg1152Gln)

Gene: SOS2 (SOS Ras/Rho guanine nucleotide exchange factor 2; minus strand). Cytogenetic location: 14q21.3.
Variant type: single nucleotide variant.
Coding change: c.3455G>A on transcript NM_006939.4 (MANE Select); coding-DNA position 3455, G replaced by A.
Protein change: p.Arg1152Gln; replaces arginine 1152 with glutamine.
Molecular consequence: missense variant.
Genome position (GRCh38, 1-based): chr14:50,120,309, C>T on the plus strand (G>A on the coding strand, the complement: SOS2 is on the minus strand). VCF-style: chr14-50120309-C-T. GRCh37 (hg19) VCF-style: chr14-50587027-C-T.
Other names: c.3356G>A, p.Arg1119Gln (NM_001411020.1); short protein forms R1119Q, R1152Q.
Identifiers: ClinVar variation 3671763 (VCV003671763.2).
Genomic context (GRCh38, chr14:50,120,309, plus strand): 5'-AGTTGGAGTAAAGTCCTGTTGATTACCTTGGAATTTGAAGCATCATGATCAAACTTTTTT[C>T]GAGGAGGAAGAGGAGGAGGAATCAGGGGCTCTTCACTTAGTTTATGTAAACTACCACATG-3'
Protein context (NP_008870.2, residues 1142-1162): EPLIPPPLPP[Arg1152Gln]KKFDHDASNS

ClinVar aggregate classification (germline): Uncertain significance (1 of 4 stars; one submission).

Conditions:
Noonan syndrome 9 (NS9). Identifiers: Orphanet 648, MedGen C4225282, MONDO:0014691, OMIM 616559.

gnomAD v4.1: 1 of 1,604,402 alleles (0.000062%); no homozygotes.

Submission:

Labcorp Genetics (formerly Invitae), Labcorp
Classification: Uncertain significance for Noonan syndrome 9. Last evaluated: 2025-11-27. Review status: criteria provided, single submitter. Criteria: Invitae Variant Classification Sherloc (09022015). Collection method: clinical testing. Allele origin: germline.
Comment: This sequence change replaces arginine, which is basic and polar, with glutamine, which is neutral and polar, at codon 1152 of the SOS2 protein (p.Arg1152Gln). This variant is not present in population databases (gnomAD no frequency). This variant has not been reported in the literature in individuals affected with SOS2-related conditions. ClinVar contains an entry for this variant (Variation ID: 3671763). Invitae Evidence Modeling of protein sequence and biophysical properties (such as structural, functional, and spatial information, amino acid conservation, physicochemical variation, residue mobility, and thermodynamic stability) indicates that this missense variant is not expected to disrupt SOS2 protein function with a negative predictive value of 95%. In summary, the available evidence is currently insufficient to determine the role of this variant in disease. Therefore, it has been classified as a Variant of Uncertain Significance.